The following is an entry in ClinVar:

NM_147127.5(EVC2):c.2706+1G>A

Gene: EVC2 (EvC ciliary complex subunit 2; minus strand). Cytogenetic location: 4p16.2.
Variant type: single nucleotide variant.
Coding change: c.2706+1G>A on transcript NM_147127.5 (MANE Select); the canonical splice donor site of the intron after coding-DNA position 2706, G replaced by A.
Molecular consequence: splice donor variant.
Genome position (GRCh38, 1-based): chr4:5,618,477, C>T on the plus strand (G>A on the coding strand, the complement: EVC2 is on the minus strand). VCF-style: chr4-5618477-C-T. GRCh37 (hg19) VCF-style: chr4-5620204-C-T.
Other names: c.2466+1G>A (NM_001166136.2).
Identifiers: ClinVar variation 1066264 (VCV001066264.10), dbSNP rs2108833043, ClinGen allele CA356142837.
Genomic context (GRCh38, chr4:5,618,477, plus strand): 5'-AGGGCCAGCAGCTGGGAGACGGCCCTGCTTCTGTAATCGGCCACTGACAGGTCCATCCTA[C>T]CTGCAGCTCAGGGGCAGCCACGGCCTGGTCCAGCTTCACGAACTCTGCTTCTCGCCACGC-3'

ClinVar aggregate classification (germline): Likely pathogenic (1 of 4 stars; one submission).

Conditions:
Curry-Hall syndrome (WAD). Also called: WEYERS ACRODENTAL DYSOSTOSIS. Identifiers: Orphanet 952, MedGen C0457013, MONDO:0008673, OMIM 193530.
Ellis-van Creveld syndrome (EVC). Also called: EVC-Related Ellis-van Creveld Syndrome; EVC2-Related Ellis-van Creveld Syndrome; MESOECTODERMAL DYSPLASIA; Chondroectodermal dysplasia. Identifiers: Orphanet 289, MedGen C0013903, MONDO:0009162, OMIM 225500.

Submission:

Labcorp Genetics (formerly Invitae), Labcorp
Classification: Likely pathogenic for Curry-Hall syndrome; Ellis-van Creveld syndrome. Last evaluated: 2020-02-05. Review status: criteria provided, single submitter. Criteria: Invitae Variant Classification Sherloc (09022015). Collection method: clinical testing. Allele origin: germline.
Comment: In summary, the currently available evidence indicates that the variant is pathogenic, but additional data are needed to prove that conclusively. Therefore, this variant has been classified as Likely Pathogenic. Donor and acceptor splice site variants typically lead to a loss of protein function (PMID: 16199547), and loss-of-function variants in EVC2 are known to be pathogenic (PMID: 17024374, 19810119, 19876929). Algorithms developed to predict the effect of sequence changes on RNA splicing suggest that this variant may disrupt the consensus splice site, but this prediction has not been confirmed by published transcriptional studies. This variant is not present in population databases (ExAC no frequency). This sequence change affects a donor splice site in intron 15 of the EVC2 gene. It is expected to disrupt RNA splicing and likely results in an absent or disrupted protein product.

Literature cited by the submitters: PubMed 16199547; PubMed 17024374; PubMed 19810119; PubMed 19876929.